The following is an entry in ClinVar:

NC_012920.1(MT-ND4):m.11025T>C

Gene: MT-ND4 (mitochondrially encoded NADH dehydrogenase 4; plus strand).
Variant type: single nucleotide variant.
Genome position: chrM-11025-T-C.
Identifiers: ClinVar variation 693335 (VCV000693335.1), dbSNP rs201300253, ClinGen allele CA337099076.

ClinVar aggregate classification (germline): Benign (1 of 4 stars; one submission).

Conditions:
Leigh syndrome (NULS). Also called: Leigh's necrotizing encephalopathy; Leigh's disease; Leigh Syndrome (mtDNA deletion); Leigh Disease; Subacute necrotizing encephalopathy; Necrotizing encephalopathy infantile subacute of Leigh. Identifiers: Orphanet 506, MedGen C2931891, MONDO:0009723, OMIM 256000.

Submission:

Wong Mito Lab, Molecular and Human Genetics, Baylor College of Medicine
Classification: Benign for Leigh syndrome. Last evaluated: 2019-10-17. Review status: criteria provided, single submitter. Criteria: Modified ACMG Guidelines (Unpublished). Collection method: clinical testing. Allele origin: germline.
Comment: The NC_012920.1:m.11025T>C (YP_003024035.1:p.Leu89Pro) variant in MTND4 gene is interpretated to be a Benign variant based on the modified ACMG guidelines (unpublished). This variant meets the following evidence codes: BS1, BS2, BP4